The following is an entry in ClinVar:

ClinVar aggregate classification (germline): Likely benign. Review status: criteria provided, single submitter (1 of 4 stars). 2 submissions from 2 submitters: Likely benign (1). 1 of the submissions does not count toward it. Last evaluated 2022-07-10.

Conditions:
VCAN-related disorder. Also called: VCAN-related condition.

Allele frequency attached by ClinVar (database versions not stated): gnomAD 0.00001; gnomAD exomes 0.00001; ExAC 0.00002.
gnomAD v4.1: 20 of 1,613,994 alleles (0.0012%); highest among the groups gnomAD compares: South Asian, 0.02%; no homozygotes.

Submissions (2):

Labcorp Genetics (formerly Invitae), Labcorp
Classification: Likely benign. Last evaluated: 2022-07-10. Review status: criteria provided, single submitter. Criteria: Invitae Variant Classification Sherloc (09022015). Collection method: clinical testing. Allele origin: germline.

PreventionGenetics, part of Exact Sciences
Classification: Likely benign for VCAN-related condition. Last evaluated: 2020-12-10. Review status: no assertion criteria provided. Collection method: clinical testing. Allele origin: germline. Not counted in ClinVar's aggregate classification.
Comment: This variant is classified as likely benign based on ACMG/AMP sequence variant interpretation guidelines (Richards et al. 2015 PMID: 25741868, with internal and published modifications).

NM_004385.5(VCAN):c.7971T>C (p.Tyr2657=)

Genes: VCAN (versican; plus strand), VCAN-AS1 (VCAN antisense RNA 1; minus strand). Cytogenetic location: 5q14.3.
Variant type: single nucleotide variant.
Coding change: c.7971T>C on transcript NM_004385.5 (MANE Select); coding-DNA position 7971, T replaced by C.
Protein change: p.Tyr2657=; no amino-acid change (tyrosine 2657 retained).
Molecular consequence: synonymous variant. On other transcripts: intron variant (2).
Genome position (GRCh38, 1-based): chr5:83,540,974, T>C. VCF-style: chr5-83540974-T-C. GRCh37 (hg19) VCF-style: chr5-82836793-T-C.
Other names: c.5010T>C, p.Tyr1670= (NM_001164097.2); c.4004-4563T>C (NM_001164098.2); c.1043-4563T>C (NM_001126336.3); c.7971T>C (NM_004385.4).
Identifiers: ClinVar variation 1911104 (VCV001911104.7), dbSNP rs745580084, ClinGen allele CA3333722.